The following is an entry in ClinVar:

ClinVar aggregate classification (germline): Uncertain significance (1 of 4 stars; one submission).

Conditions:
ALMS1-related disorder. Also called: ALMS1-related condition.

Submission:

PreventionGenetics, part of Exact Sciences
Classification: Uncertain significance for ALMS1-related condition. Last evaluated: 2025-12-22. Review status: criteria provided, single submitter. Criteria: ACMG Guidelines, 2015. Collection method: clinical testing. Allele origin: germline.
Comment: The ALMS1 c.9041A>C variant is predicted to result in the amino acid substitution p.Lys3014Thr. To our knowledge, this variant has not been reported in the literature or in a large population database (gnomAD), indicating this variant is rare. At this time, the clinical significance of this variant is uncertain due to the absence of conclusive functional and genetic evidence.

NM_001378454.1(ALMS1):c.9038A>C (p.Glu3013Ala)

Gene: ALMS1 (ALMS1 centrosome and basal body associated protein; plus strand). Cytogenetic location: 2p13.1.
Variant type: single nucleotide variant.
Coding change: c.9038A>C on transcript NM_001378454.1 (MANE Select); coding-DNA position 9038, A replaced by C.
Protein change: p.Glu3013Ala; replaces glutamic acid 3013 with alanine.
Molecular consequence: missense variant.
Genome position (GRCh38, 1-based): chr2:73,490,997, A>C. VCF-style: chr2-73490997-A-C. GRCh37 (hg19) VCF-style: chr2-73718124-A-C.
Other names: c.9041A>C, p.Glu3014Ala (NM_015120.4); short protein forms E3014A, E3013A.
Identifiers: ClinVar variation 4986538 (VCV004986538.1).